The following is an entry in ClinVar:

NM_015001.3(SPEN):c.3064G>A (p.Val1022Met)

Gene: SPEN (spen family transcriptional repressor; plus strand). Cytogenetic location: 1p36.13.
Variant type: single nucleotide variant.
Coding change: c.3064G>A on transcript NM_015001.3 (MANE Select); coding-DNA position 3064, G replaced by A.
Protein change: p.Val1022Met; replaces valine 1022 with methionine.
Molecular consequence: missense variant.
Genome position (GRCh38, 1-based): chr1:15,929,304, G>A. VCF-style: chr1-15929304-G-A. GRCh37 (hg19) VCF-style: chr1-16255799-G-A.
Other names: c.3064G>A (NM_015001.2); short protein forms V1022M.
Identifiers: ClinVar variation 2638312 (VCV002638312.26), dbSNP rs115566585, ClinGen allele CA619384.
Genomic context (GRCh38, chr1:15,929,304, plus strand): 5'-GTCAAGAAAAGCAGTCCAGAGATGGAGGATGCTCGCGTGCTTTCAAAAAAGCAGCCTGAC[G>A]TGTCCTCTAGAGAGGTCATTCTGCTGAGGGAAGGAGAGGCTGAAAGAAAGCCTGTGAGGA-3'
Protein context (NP_055816.2, residues 1012-1032): ARVLSKKQPD[Val1022Met]SSREVILLRE

ClinVar aggregate classification (germline): Likely benign. Review status: criteria provided, multiple submitters, no conflicts (2 of 4 stars). 3 submissions from 3 submitters: Likely benign (2). 1 of the submissions does not count toward it. Last evaluated 2026-09-01.

Conditions:
SPEN-related disorder. Also called: SPEN-related condition.

Allele frequency attached by ClinVar (database versions not stated): ExAC 0.00185; gnomAD 0.00186; TOPMed 0.00220; 1000 Genomes Project 30x 0.00234; 1000 Genomes Project 0.00240; ESP Exome Variant Server 0.00254.
gnomAD v4.1: 3,736 of 1,614,194 alleles (0.23%); highest among the groups gnomAD compares: Middle Eastern, 0.71%; 13 homozygotes.

Submissions (3):

CeGaT Center for Human Genetics Tuebingen
Classification: Likely benign. Last evaluated: 2026-09-01. Review status: criteria provided, single submitter. Criteria: CeGaT Center For Human Genetics Tuebingen Variant Classification Criteria Version 2. Collection method: clinical testing. Allele origin: germline. Affected: yes. Observed: 10 variant alleles.
Comment: SPEN: BP4, BS1

Blueprint Genetics
Classification: Likely benign. Last evaluated: 2024-11-21. Review status: criteria provided, single submitter. Criteria: ACMG Guidelines, 2015. Collection method: clinical testing. Allele origin: germline.

PreventionGenetics, part of Exact Sciences
Classification: Likely benign for SPEN-related condition. Last evaluated: 2022-03-28. Review status: no assertion criteria provided. Collection method: clinical testing. Allele origin: germline. Not counted in ClinVar's aggregate classification.
Comment: This variant is classified as likely benign based on ACMG/AMP sequence variant interpretation guidelines (Richards et al. 2015 PMID: 25741868, with internal and published modifications).